The following is an entry in ClinVar:

NM_004006.3(DMD):c.9370_9371del (p.Leu3124fs)

Gene: DMD (dystrophin; minus strand). Cytogenetic location: Xp21.2.
Variant type: Deletion.
Coding change: c.9370_9371del on transcript NM_004006.3 (MANE Select); coding-DNA positions 9370 to 9371, 2 bases deleted (TT; older notation c.9370_9371delTT).
Protein change: p.Leu3124fs; shifts the reading frame from leucine 3124.
Molecular consequence: frameshift variant.
Genome position (GRCh38, 1-based): chrX:31,209,690-31,209,691, AA deleted on the plus strand (TT on the coding strand, the reverse complement: DMD is on the minus strand). VCF-style (leftmost placement, unchanged base first): chrX-31209689-CAA-C. GRCh37 (hg19) VCF-style: chrX-31227806-CAA-C.
Other names: c.9346_9347del, p.Leu3116fs (NM_000109.4); c.9358_9359del, p.Leu3120fs (NM_004009.3); c.9001_9002del, p.Leu3001fs (NM_004010.3); c.5347_5348del, p.Leu1783fs (NM_004011.4); c.5338_5339del, p.Leu1780fs (NM_004012.4); c.1990_1991del, p.Leu664fs (NM_004013.3, NM_004020.4, NM_004021.3 and 2 more transcripts); c.1183_1184del, p.Leu395fs (NM_004014.3); c.166_167del, p.Leu56fs (NM_004015.3, NM_004016.3, NM_004017.3 and 2 more transcripts); and 1 more; short protein forms L1780fs, L1783fs, L3001fs, L395fs, L56fs, L3124fs, L3116fs, L3120fs.
Identifiers: ClinVar variation 419101 (VCV000419101.2), dbSNP rs1064793644, ClinGen allele CA16621359.
Genomic context (GRCh38, chrX:31,209,689, plus strand): 5'-GGGCTGGTCATTTTGCTTGAGGTTGTGCTGGTCCAAGGCATCACATGCAGCTGACAGGCT[CAA>C]GAGATCCACTGCAAAAAACAAATAAAATCACAAATGACTCAAAGAGTAAAACCTTCCTTT-3'

ClinVar aggregate classification (germline): Pathogenic (1 of 4 stars; one submission).

Submission:

GeneDx
Classification: Pathogenic. Last evaluated: 2015-05-19. Review status: criteria provided, single submitter. Criteria: GeneDx Variant Classification (06012015). Collection method: clinical testing. Allele origin: germline. Affected: yes.
Comment: The c.9370_9371delTT deletion in the DMD gene causes a frameshift starting withcodon Leucine 3124, changes this amino acid to a Glutamic acid residue and creates a premature Stopcodon at position 7 of the new reading frame, denoted p.Leu3124GlufsX7. This variant is predicted tocause loss of normal protein function either through protein truncation or nonsense-mediated mRNAdecay. Although this deletion has not been previously reported to our knowledge, other frameshiftvariants in the DMD gene have been reported in association with the dystrophinopathies (Stenson et al.,2014). Therefore, c.9370_9371delTT is considered a pathogenic variant.